The following is an entry in ClinVar:

ClinVar aggregate classification (germline): Uncertain significance (1 of 4 stars; one submission).

Conditions:
Primary ciliary dyskinesia. Also called: Ciliary dyskinesia. Identifiers: Orphanet 244, MedGen C0008780, MONDO:0016575, HP:0012265.

Submission:

Labcorp Genetics (formerly Invitae), Labcorp
Classification: Uncertain significance for Primary ciliary dyskinesia. Last evaluated: 2021-08-06. Review status: criteria provided, single submitter. Criteria: Invitae Variant Classification Sherloc (09022015). Collection method: clinical testing. Allele origin: germline.
Comment: This sequence change replaces aspartic acid with asparagine at codon 491 of the DNAAF5 protein (p.Asp491Asn). The aspartic acid residue is weakly conserved and there is a small physicochemical difference between aspartic acid and asparagine. This variant is not present in population databases (ExAC no frequency). This variant has not been reported in the literature in individuals affected with DNAAF5-related conditions. Algorithms developed to predict the effect of missense changes on protein structure and function output the following: SIFT: "Tolerated"; PolyPhen-2: "Benign"; Align-GVGD: "Class C0". The asparagine amino acid residue is found in multiple mammalian species, which suggests that this missense change does not adversely affect protein function. In summary, the available evidence is currently insufficient to determine the role of this variant in disease. Therefore, it has been classified as a Variant of Uncertain Significance.

NM_017802.4(DNAAF5):c.1471G>A (p.Asp491Asn)

Gene: DNAAF5 (dynein axonemal assembly factor 5; plus strand). Cytogenetic location: 7p22.3.
Variant type: single nucleotide variant.
Coding change: c.1471G>A on transcript NM_017802.4 (MANE Select); coding-DNA position 1471, G replaced by A.
Protein change: p.Asp491Asn; replaces aspartic acid 491 with asparagine.
Molecular consequence: missense variant. On other transcripts: non-coding transcript variant (1).
Genome position (GRCh38, 1-based): chr7:761,753, G>A. VCF-style: chr7-761753-G-A. GRCh37 (hg19) VCF-style: chr7-801390-G-A.
Other names: short protein forms D491N.
Identifiers: ClinVar variation 1486451 (VCV001486451.3), dbSNP rs1431048395, ClinGen allele CA366539323.